The following is an entry in ClinVar:

ClinVar aggregate classification (germline): Benign/Likely benign. Review status: criteria provided, multiple submitters, no conflicts (2 of 4 stars). 5 submissions from 5 submitters: Benign (3); Likely benign (1). 1 of the submissions does not count toward it. Last evaluated 2026-01-24.

Conditions:
ADAMTS17-related disorder. Also called: ADAMTS17-related condition.
Weill-Marchesani 4 syndrome, recessive. Also called: Weill-Marchesani syndrome 4. Identifiers: Orphanet 363992, MedGen C2750787, MONDO:0013176, OMIM 613195.

Allele frequency attached by ClinVar (database versions not stated): ExAC 0.00174; 1000 Genomes Project 30x 0.00500; 1000 Genomes Project 0.00519; TOPMed 0.00577; gnomAD 0.00592; ESP Exome Variant Server 0.00654.
gnomAD v4.1: 1,628 of 1,613,534 alleles (0.1%); highest among the groups gnomAD compares: African/African-American, 1.8%; 10 homozygotes.

Submissions (5):

Labcorp Genetics (formerly Invitae), Labcorp
Classification: Benign. Last evaluated: 2026-01-24. Review status: criteria provided, single submitter. Criteria: Invitae Variant Classification Sherloc (09022015). Collection method: clinical testing. Allele origin: germline.

Blueprint Genetics
Classification: Likely benign. Last evaluated: 2024-11-25. Review status: criteria provided, single submitter. Criteria: ACMG Guidelines, 2015. Collection method: clinical testing. Allele origin: germline.

Illumina Laboratory Services, Illumina
Classification: Benign for Weill-Marchesani 4 syndrome, recessive. Last evaluated: 2018-01-12. Review status: criteria provided, single submitter. Criteria: ICSL Variant Classification Criteria 13 December 2019. Collection method: clinical testing. Allele origin: germline.
Comment: This variant was observed in the ICSL laboratory as part of a predisposition screen in an ostensibly healthy population. It had not been previously curated by ICSL or reported in the Human Gene Mutation Database (HGMD: prior to June 1st, 2018), and was therefore a candidate for classification through an automated scoring system. Utilizing variant allele frequency, disease prevalence and penetrance estimates, and inheritance mode, an automated score was calculated to assess if this variant is too frequent to cause the disease. Based on the score and internal cut-off values, a variant classified as benign is not then subjected to further curation. The score for this variant resulted in a classification of benign for this disease.

Breakthrough Genomics
Classification: Benign. Review status: criteria provided, single submitter. Criteria: ACMG Guidelines, 2015. Collection method: not provided. Allele origin: germline. Inheritance: Autosomal recessive inheritance. Affected: yes.

PreventionGenetics, part of Exact Sciences
Classification: Benign for ADAMTS17-related condition. Last evaluated: 2019-05-03. Review status: no assertion criteria provided. Collection method: clinical testing. Allele origin: germline. Not counted in ClinVar's aggregate classification.
Comment: This variant is classified as benign based on ACMG/AMP sequence variant interpretation guidelines (Richards et al. 2015 PMID: 25741868, with internal and published modifications).

NM_139057.4(ADAMTS17):c.2700G>A (p.Thr900=)

Gene: ADAMTS17 (ADAM metallopeptidase with thrombospondin type 1 motif 17; minus strand). Cytogenetic location: 15q26.3.
Variant type: single nucleotide variant.
Coding change: c.2700G>A on transcript NM_139057.4 (MANE Select); coding-DNA position 2700, G replaced by A.
Protein change: p.Thr900=; no amino-acid change (threonine 900 retained).
Molecular consequence: synonymous variant.
Genome position (GRCh38, 1-based): chr15:99,997,481, C>T on the plus strand (G>A on the coding strand, the complement: ADAMTS17 is on the minus strand). VCF-style: chr15-99997481-C-T. GRCh37 (hg19) VCF-style: chr15-100537686-C-T.
Identifiers: ClinVar variation 315261 (VCV000315261.18), dbSNP rs149373184, ClinGen allele CA7757614.